The following is an entry in ClinVar:

NM_025179.4(PLXNA2):c.5056-10C>T

Gene: PLXNA2 (plexin A2; minus strand). Cytogenetic location: 1q32.2.
Variant type: single nucleotide variant.
Coding change: c.5056-10C>T on transcript NM_025179.4 (MANE Select); 10 bases into the intron before coding-DNA position 5056, C replaced by T.
Molecular consequence: intron variant.
Genome position (GRCh38, 1-based): chr1:208,031,769, G>A on the plus strand (C>T on the coding strand, the complement: PLXNA2 is on the minus strand). VCF-style: chr1-208031769-G-A. GRCh37 (hg19) VCF-style: chr1-208205114-G-A.
Other names: c.5056-10C>T (NM_025179.3).
Identifiers: ClinVar variation 1528670 (VCV001528670.10), dbSNP rs201167422, ClinGen allele CA1372663.

ClinVar aggregate classification (germline): Likely benign. Review status: criteria provided, single submitter (1 of 4 stars). 2 submissions from 2 submitters: Likely benign (1). 1 of the submissions does not count toward it. Last evaluated 2025-11-06.

Conditions:
PLXNA2-related disorder. Also called: PLXNA2-related condition.

Allele frequency attached by ClinVar (database versions not stated): gnomAD exomes 0.00014; ExAC 0.00017; ESP Exome Variant Server 0.00046; gnomAD 0.00061 and 0.00063; TOPMed 0.00066; 1000 Genomes Project 0.00120; 1000 Genomes Project 30x 0.00172.

Submissions (2):

Labcorp Genetics (formerly Invitae), Labcorp
Classification: Likely benign. Last evaluated: 2025-11-06. Review status: criteria provided, single submitter. Criteria: Invitae Variant Classification Sherloc (09022015). Collection method: clinical testing. Allele origin: germline.

PreventionGenetics, part of Exact Sciences
Classification: Likely benign for PLXNA2-related condition. Last evaluated: 2021-10-30. Review status: no assertion criteria provided. Collection method: clinical testing. Allele origin: germline. Not counted in ClinVar's aggregate classification.
Comment: This variant is classified as likely benign based on ACMG/AMP sequence variant interpretation guidelines (Richards et al. 2015 PMID: 25741868, with internal and published modifications).